The following is an entry in ClinVar:

ClinVar aggregate classification (germline): Pathogenic/Likely pathogenic. Review status: criteria provided, multiple submitters, no conflicts (2 of 4 stars). 8 submissions from 8 submitters: Pathogenic (5); Likely pathogenic (1). 2 of the submissions do not count toward it. Last evaluated 2026-06-15.

Conditions:
SRD5A2-related disorder. Also called: SRD5A2-related condition.
3-Oxo-5 alpha-steroid delta 4-dehydrogenase deficiency (PPSH). Also called: 46,XY disorder of sex development due to 5-alpha-reductase 2 deficiency; PSEUDOVAGINAL PERINEOSCROTAL HYPOSPADIAS; FAMILIAL INCOMPLETE MALE PSEUDOHERMAPHRODITISM, TYPE 2; MALE PSEUDOHERMAPHRODITISM DUE TO 5-ALPHA-REDUCTASE DEFICIENCY. Identifiers: Orphanet 753, MedGen C0268297, MONDO:0009923, OMIM 264600. Disease mechanism: loss of function.

Allele frequency attached by ClinVar (database versions not stated): gnomAD exomes 0.00001 and 0.00003; ExAC 0.00006; gnomAD 0.00014 and 0.00015; TOPMed 0.00018.
gnomAD v4.1: 42 of 1,575,150 alleles (0.0027%); highest among the groups gnomAD compares: African/African-American, 0.046%; no homozygotes.

Submissions (8):

PreventionGenetics, part of Exact Sciences
Classification: Pathogenic for SRD5A2-related condition. Last evaluated: 2026-06-15. Review status: criteria provided, single submitter. Criteria: ACMG Guidelines, 2015. Collection method: clinical testing. Allele origin: germline.
Comment: The SRD5A2 c.547G>A variant is predicted to result in the amino acid substitution p.Gly183Ser. This variant is located in the last nucleotide of an exon and is predicted to significantly impact splicing based on available splicing prediction programs (SpliceAI, Jaganathan et al. 2019. PubMed ID: 30661751). This variant has been reported in the homozygous and compound heterozygous state in multiple individuals with steroid 5-alpha-reductase deficiency (S5ARD) and has been reported in both sporadic cases and in individuals with a family history of S5ARD (Thigpen et al. 1992. PubMed ID: 1522235; Cai et al. 1996. PubMed ID: 8626825; Sahakitrungruang et al. 2008. PubMed ID: 18314109; Liu et al. 2022. PubMed ID: 35700942; Milewich et al. 1995. PubMed ID: 7593415; Hackel et al. 2005 PubMed ID 15770495; Table S5, Gomes et al. 2022. PubMed ID: 35134971). In vitro experimental studies show this variant affects the catalytic activity of the enzyme by decreasing its affinity for testosterone substrate, with a residual activity ~12% compared to control (Wigley et al. 1994. PubMed ID: 8110760; Vilchis et al. 2008. PubMed ID: 18350250). This variant is reported in ~0.050% of alleles in individuals of African descent in gnomAD, and has been described as a founder variant in individuals of Brazilian and Domican ancestry (Hackel et al. 2005 PMID 15770495). This variant has been classified as pathogenic by multiple clinical labs in ClinVar (Variation ID: 3341). Taken together, we classify this variant as pathogenic.

Genomic Medicine Center of Excellence, King Faisal Specialist Hospital and Research Centre
Classification: Likely pathogenic for 3-Oxo-5 alpha-steroid delta 4-dehydrogenase deficiency. Last evaluated: 2025-09-10. Review status: criteria provided, single submitter. Criteria: ACMG Guidelines, 2015. Collection method: clinical testing. Allele origin: germline.

3billion
Classification: Pathogenic for 3-Oxo-5 alpha-steroid delta 4-dehydrogenase deficiency. Last evaluated: 2025-07-31. Review status: criteria provided, single submitter. Criteria: ACMG Guidelines, 2015. Collection method: clinical testing. Allele origin: germline. Affected: yes.
Comment: The variant is observed at an extremely low frequency in the gnomAD v4.1.0 dataset (total allele frequency: 0.003%). Predicted Consequence/Location: Missense variant Functional studies provide strong evidence of the variant having a damaging effect on the gene or gene product (PMID: 20019388). In silico tool predictions suggest damaging effect of the variant on gene or gene product [3Cnet: 0.90 (> 0.75, sensitivity 0.96 and precision 0.92)]. The same nucleotide change resulting in the same amino acid change has been previously reported as pathogenic/likely pathogenic with strong evidence (ClinVar ID: VCV000003341 /PMID: 1522235). The variant has been reported to be in trans with a pathogenic variant as either compound heterozygous or homozygous in at least 2 similarly affected unrelated individuals (PMID: 1522235, 20019388). Therefore, this variant is classified as Pathogenic according to the recommendation of ACMG/AMP guideline.

GeneDx
Classification: Pathogenic. Last evaluated: 2024-12-20. Review status: criteria provided, single submitter. Criteria: GeneDx Variant Classification Process June 2021. Collection method: clinical testing. Allele origin: germline. Affected: yes.
Comment: Observed in apparent homozygous state in multiple unrelated patients with clinical features of SRD5A2-related 5-alpha-reductase deficiency in published literature and not observed in homozygous state in controls (PMID: 15770495, 1522235); RNA studies demonstrate a damaging effect: skipping of exon 3 (PMID: 29176693); In silico analysis supports a deleterious effect on splicing; Also known as c.544G>A; This variant is associated with the following publications: (PMID: 29858846, 15770495, 8626825, 18314109, 28544750, 22194745, 28944235, 1522235, 18350250, 8110760, 29176693)

Labcorp Genetics (formerly Invitae), Labcorp
Classification: Pathogenic for 3-Oxo-5 alpha-steroid delta 4-dehydrogenase deficiency. Last evaluated: 2024-11-22. Review status: criteria provided, single submitter. Criteria: Invitae Variant Classification Sherloc (09022015). Collection method: clinical testing. Allele origin: germline.
Comment: This sequence change replaces glycine, which is neutral and non-polar, with serine, which is neutral and polar, at codon 183 of the SRD5A2 protein (p.Gly183Ser). This variant also falls at the last nucleotide of exon 3, which is part of the consensus splice site for this exon. This variant is present in population databases (rs121434247, gnomAD 0.04%). This missense change has been observed in individual(s) with steroid 5-alpha-reductase deficiency (PMID: 1522235, 18314109, 18350250, 28544750). ClinVar contains an entry for this variant (Variation ID: 3341). Algorithms developed to predict the effect of variants on gene product structure and function are not available or were not evaluated for this variant. Experimental studies have shown that this missense change affects SRD5A2 function (PMID: 18350250). Variants that disrupt the consensus splice site are a relatively common cause of aberrant splicing (PMID: 17576681, 9536098). Algorithms developed to predict the effect of sequence changes on RNA splicing suggest that this variant may disrupt the consensus splice site. For these reasons, this variant has been classified as Pathogenic.

Clinical Biochemistry Laboratory, Health Services Laboratory
Classification: Pathogenic for 3-Oxo-5 alpha-steroid delta 4-dehydrogenase deficiency. Last evaluated: 2023-11-20. Review status: criteria provided, single submitter. Criteria: ACMG Guidelines, 2015. Collection method: clinical testing. Allele origin: germline. Affected: yes.
Comment: ACMG:PS5 PM2 PM3 PP4 PP5

Clinical Molecular Genetics Laboratory, Johns Hopkins All Children's Hospital
Classification: Pathogenic for 3-Oxo-5 alpha-steroid delta 4-dehydrogenase deficiency. Last evaluated: 2013-09-23. Review status: no assertion criteria provided. Collection method: clinical testing. Allele origin: germline. Affected: yes. Not counted in ClinVar's aggregate classification.

OMIM
Classification: Pathogenic for PSEUDOVAGINAL PERINEOSCROTAL HYPOSPADIAS. Last evaluated: 1996-05-01. Review status: no assertion criteria provided. Collection method: literature only. Allele origin: germline. Not counted in ClinVar's aggregate classification.

Literature cited by the submitters: PubMed 1522235 (cited by 3billion and Labcorp Genetics (formerly Invitae), Labcorp); PubMed 20019388 (cited by 3billion); PubMed 18314109 (cited by Labcorp Genetics (formerly Invitae), Labcorp); PubMed 18350250 (cited by Labcorp Genetics (formerly Invitae), Labcorp); PubMed 28544750 (cited by Labcorp Genetics (formerly Invitae), Labcorp); PubMed 17576681 (cited by Labcorp Genetics (formerly Invitae), Labcorp); PubMed 9536098 (cited by Labcorp Genetics (formerly Invitae), Labcorp); PubMed 8626825 (cited by OMIM).

NM_000348.4(SRD5A2):c.547G>A (p.Gly183Ser)

Gene: SRD5A2 (steroid 5 alpha-reductase 2; minus strand). Cytogenetic location: 2p23.1.
Variant type: single nucleotide variant.
Coding change: c.547G>A on transcript NM_000348.4 (MANE Select); coding-DNA position 547, G replaced by A.
Protein change: p.Gly183Ser; replaces glycine 183 with serine.
Molecular consequence: missense variant.
Genome position (GRCh38, 1-based): chr2:31,531,371, C>T on the plus strand (G>A on the coding strand, the complement: SRD5A2 is on the minus strand). VCF-style: chr2-31531371-C-T. GRCh37 (hg19) VCF-style: chr2-31756441-C-T.
Other names: short protein forms G183S.
Identifiers: ClinVar variation 3341 (VCV000003341.15), dbSNP rs121434247, ClinGen allele CA340072.